The following is an entry in ClinVar:

ClinVar aggregate classification (germline): Uncertain significance (1 of 4 stars; one submission).

Conditions:
PLXNA4-related disorder. Also called: PLXNA4-related condition.

Allele frequency attached by ClinVar (database versions not stated): gnomAD exomes 0.00002; ESP Exome Variant Server 0.00008; 1000 Genomes Project 30x 0.00016.
gnomAD v4.1: 22 of 1,614,144 alleles (0.0014%); highest among the groups gnomAD compares: East Asian, 0.0022%; no homozygotes.

Submission:

PreventionGenetics, part of Exact Sciences
Classification: Uncertain significance for PLXNA4-related condition. Last evaluated: 2023-05-02. Review status: criteria provided, single submitter. Criteria: ACMG Guidelines, 2015. Collection method: clinical testing. Allele origin: germline.
Comment: The PLXNA4 c.3293C>T variant is predicted to result in the amino acid substitution p.Ala1098Val. To our knowledge, this variant has not been reported in the literature. This variant is reported in 0.0027% of alleles in individuals of European (Non-Finnish) descent in gnomAD. At this time, the clinical significance of this variant is uncertain due to the absence of conclusive functional and genetic evidence.

NM_020911.2(PLXNA4):c.3293C>T (p.Ala1098Val)

Gene: PLXNA4 (plexin A4; minus strand). Cytogenetic location: 7q32.3.
Variant type: single nucleotide variant.
Coding change: c.3293C>T on transcript NM_020911.2 (MANE Select); coding-DNA position 3293, C replaced by T.
Protein change: p.Ala1098Val; replaces alanine 1098 with valine.
Molecular consequence: missense variant.
Genome position (GRCh38, 1-based): chr7:132,181,580, G>A on the plus strand (C>T on the coding strand, the complement: PLXNA4 is on the minus strand). VCF-style: chr7-132181580-G-A. GRCh37 (hg19) VCF-style: chr7-131866339-G-A.
Other names: c.3293C>T, p.Ala1098Val (NM_001393897.1); short protein forms A1098V.
Identifiers: ClinVar variation 2636566 (VCV002636566.1), dbSNP rs371329097, ClinGen allele CA166981455.